The following is an entry in ClinVar:

ClinVar aggregate classification (germline): Uncertain significance (1 of 4 stars; one submission).

Submission:

Labcorp Genetics (formerly Invitae), Labcorp
Classification: Uncertain significance. Last evaluated: 2025-06-05. Review status: criteria provided, single submitter. Criteria: Invitae Variant Classification Sherloc (09022015). Collection method: clinical testing. Allele origin: germline.
Comment: This sequence change replaces serine, which is neutral and polar, with arginine, which is basic and polar, at codon 370 of the CLUAP1 protein (p.Ser370Arg). This variant is not present in population databases (gnomAD no frequency). This variant has not been reported in the literature in individuals affected with CLUAP1-related conditions. Invitae Evidence Modeling of protein sequence and biophysical properties (such as structural, functional, and spatial information, amino acid conservation, physicochemical variation, residue mobility, and thermodynamic stability) indicates that this missense variant is not expected to disrupt CLUAP1 protein function with a negative predictive value of 80%. In summary, the available evidence is currently insufficient to determine the role of this variant in disease. Therefore, it has been classified as a Variant of Uncertain Significance.

NM_015041.3(CLUAP1):c.1110T>G (p.Ser370Arg)

Gene: CLUAP1 (clusterin associated protein 1; plus strand). Cytogenetic location: 16p13.3.
Variant type: single nucleotide variant.
Coding change: c.1110T>G on transcript NM_015041.3 (MANE Select); coding-DNA position 1110, T replaced by G.
Protein change: p.Ser370Arg; replaces serine 370 with arginine.
Molecular consequence: missense variant.
Genome position (GRCh38, 1-based): chr16:3,536,139, T>G. VCF-style: chr16-3536139-T-G. GRCh37 (hg19) VCF-style: chr16-3586139-T-G.
Other names: c.1167T>G, p.Ser389Arg (NM_001330454.2); c.612T>G, p.Ser204Arg (NM_024793.3); short protein forms S370R, S204R, S389R.
Identifiers: ClinVar variation 4736320 (VCV004736320.1).